The following is an entry in ClinVar:

ClinVar aggregate classification (germline): Conflicting classifications of pathogenicity. Review status: criteria provided, conflicting classifications (1 of 4 stars). 5 submissions from 5 submitters: Uncertain significance (1); Likely benign (4). Last evaluated 2026-03-27.

Conditions:
Cardiomyopathy (CMYO). Also called: Cardiomyopathies. Identifiers: Orphanet 167848, MedGen C0878544, MONDO:0004994, HP:0001638. Inheritance: Various modes of inheritance.
Cardiovascular phenotype. Identifiers: MedGen CN230736.
Arrhythmogenic right ventricular dysplasia 9 (ARVD9). Also called: Arrhythmogenic Right Ventricular Dysplasia/Cardiomyopathy 9; ARRHYTHMOGENIC RIGHT VENTRICULAR DYSPLASIA, FAMILIAL, 9. Identifiers: MedGen C1836906, MONDO:0012180, OMIM 609040.

Allele frequency attached by ClinVar (database versions not stated): gnomAD exomes below 0.00001; TOPMed below 0.00001; ExAC 0.00001; gnomAD 0.00001.
gnomAD v4.1: 6 of 1,614,030 alleles (0.00037%); highest among the groups gnomAD compares: African/African-American, 0.004%; no homozygotes.

Submissions (5):

Molecular Diagnostic Laboratory for Inherited Cardiovascular Disease, Montreal Heart Institute
Classification: Likely benign. Last evaluated: 2026-03-27. Review status: criteria provided, single submitter. Criteria: ACMG Guidelines, 2015. Collection method: clinical testing. Allele origin: germline. Affected: no.
Comment: BP7

Labcorp Genetics (formerly Invitae), Labcorp
Classification: Likely benign for Arrhythmogenic right ventricular dysplasia 9. Last evaluated: 2025-10-27. Review status: criteria provided, single submitter. Criteria: Invitae Variant Classification Sherloc (09022015). Collection method: clinical testing. Allele origin: germline.

Ambry Genetics
Classification: Likely benign for Cardiovascular phenotype. Last evaluated: 2023-10-27. Review status: criteria provided, single submitter. Criteria: Ambry Variant Classification Scheme 2023. Collection method: clinical testing. Allele origin: germline.

Color Diagnostics, LLC DBA Color Health
Classification: Likely benign for Cardiomyopathy. Last evaluated: 2019-04-28. Review status: criteria provided, single submitter. Criteria: ACMG Guidelines, 2015. Collection method: clinical testing. Allele origin: germline.

Illumina Laboratory Services, Illumina
Classification: Uncertain significance for Arrhythmogenic right ventricular dysplasia 9. Last evaluated: 2018-01-12. Review status: criteria provided, single submitter. Criteria: ICSL Variant Classification Criteria 13 December 2019. Collection method: clinical testing. Allele origin: germline.

NM_001005242.3(PKP2):c.1236G>A (p.Gln412=)

Gene: PKP2 (plakophilin 2; minus strand). Cytogenetic location: 12p11.21.
Variant type: single nucleotide variant.
Coding change: c.1236G>A on transcript NM_001005242.3 (MANE Select); coding-DNA position 1236, G replaced by A.
Protein change: p.Gln412=; no amino-acid change (glutamine 412 retained).
Molecular consequence: synonymous variant.
Genome position (GRCh38, 1-based): chr12:32,850,908, C>T on the plus strand (G>A on the coding strand, the complement: PKP2 is on the minus strand). VCF-style: chr12-32850908-C-T. GRCh37 (hg19) VCF-style: chr12-33003842-C-T.
Other names: c.1236G>A, p.Gln412= (NM_004572.4); c.1236G>A (NM_001005242.2).
Identifiers: ClinVar variation 880884 (VCV000880884.15), dbSNP rs779749104, ClinGen allele CA027483.
Genomic context (GRCh38, chr12:32,850,908, plus strand): 5'-CTCCAATTTGTTGTCATTGTCTTCAAATACTAAGTTTCTCAAGGCCCCACACACAGCTCG[C>T]TGAACGTCTTCATTCTGAACTTTTAGGAGCTGCAGAAGCTTGAGGATGCCACGAAGCTGG-3'
Protein context (NP_001005242.2, residues 402-422): QLLKVQNEDV[Gln412=]RAVCGALRNL